The following is an entry in ClinVar:

NM_004998.4(MYO1E):c.1739C>T (p.Thr580Met)

Gene: MYO1E (myosin IE; minus strand). Cytogenetic location: 15q22.2.
Variant type: single nucleotide variant.
Coding change: c.1739C>T on transcript NM_004998.4 (MANE Select); coding-DNA position 1739, C replaced by T.
Protein change: p.Thr580Met; replaces threonine 580 with methionine.
Molecular consequence: missense variant.
Genome position (GRCh38, 1-based): chr15:59,195,527, G>A on the plus strand (C>T on the coding strand, the complement: MYO1E is on the minus strand). VCF-style: chr15-59195527-G-A. GRCh37 (hg19) VCF-style: chr15-59487726-G-A.
Other names: short protein forms T580M.
Identifiers: ClinVar variation 1052495 (VCV001052495.10), dbSNP rs757163988, ClinGen allele CA7589512.
Genomic context (GRCh38, chr15:59,195,527, plus strand): 5'-TCCTCCCAGTCTCTGGGCTTCTTGGTTTCGTTTGGCTTGATGCAGCGAATGTAGTGGGGC[G>A]TACATTTCATCAGGGTGCTCACAAGGTCATTGGCTTGTTTCTAGAAAGGAAGAACAGTAT-3'
Protein context (NP_004989.2, residues 570-590): NDLVSTLMKC[Thr580Met]PHYIRCIKPN

ClinVar aggregate classification (germline): Uncertain significance. Review status: criteria provided, multiple submitters, no conflicts (2 of 4 stars). 2 submissions from 2 submitters: Uncertain significance (2). Last evaluated 2024-03-14.

Conditions:
Focal segmental glomerulosclerosis 6 (FSGS6). Identifiers: Orphanet 656, MedGen C3279905, MONDO:0013589, OMIM 614131.

Allele frequency attached by ClinVar (database versions not stated): TOPMed 0.00002; gnomAD 0.00004 and 0.00005; gnomAD exomes 0.00005 and 0.00008; ExAC 0.00007.
gnomAD v4.1: 84 of 1,614,040 alleles (0.0052%); highest among the groups gnomAD compares: South Asian, 0.026%; 1 homozygote.

Submissions (2):

Fulgent Genetics
Classification: Uncertain significance for Focal segmental glomerulosclerosis 6. Last evaluated: 2024-03-14. Review status: criteria provided, single submitter. Criteria: ACMG Guidelines, 2015. Collection method: clinical testing. Allele origin: germline.

Labcorp Genetics (formerly Invitae), Labcorp
Classification: Uncertain significance. Last evaluated: 2020-03-03. Review status: criteria provided, single submitter. Criteria: Invitae Variant Classification Sherloc (09022015). Collection method: clinical testing. Allele origin: germline.
Comment: In summary, the available evidence is currently insufficient to determine the role of this variant in disease. Therefore, it has been classified as a Variant of Uncertain Significance. Algorithms developed to predict the effect of missense changes on protein structure and function are either unavailable or do not agree on the potential impact of this missense change (SIFT: "Deleterious"; PolyPhen-2: "Probably Damaging"; Align-GVGD: "Class C15"). This variant has not been reported in the literature in individuals with MYO1E-related conditions. This variant is present in population databases (rs757163988, ExAC 0.03%). This sequence change replaces threonine with methionine at codon 580 of the MYO1E protein (p.Thr580Met). The threonine residue is highly conserved and there is a moderate physicochemical difference between threonine and methionine.